The following is an entry in ClinVar:

ClinVar aggregate classification (germline): Uncertain significance (1 of 4 stars; one submission).

Conditions:
Fanconi anemia (FA). Also called: Fanconi's anemia. Identifiers: Orphanet 84, MedGen C0015625, MeSH D005199, MONDO:0019391.

Submission:

Labcorp Genetics (formerly Invitae), Labcorp
Classification: Uncertain significance for Fanconi anemia. Last evaluated: 2023-12-06. Review status: criteria provided, single submitter. Criteria: Invitae Variant Classification Sherloc (09022015). Collection method: clinical testing. Allele origin: germline.
Comment: This sequence change replaces serine, which is neutral and polar, with arginine, which is basic and polar, at codon 603 of the FANCD2 protein (p.Ser603Arg). This variant is not present in population databases (gnomAD no frequency). This variant has not been reported in the literature in individuals affected with FANCD2-related conditions. Advanced modeling of protein sequence and biophysical properties (such as structural, functional, and spatial information, amino acid conservation, physicochemical variation, residue mobility, and thermodynamic stability) performed at Invitae indicates that this missense variant is not expected to disrupt FANCD2 protein function with a negative predictive value of 80%. In summary, the available evidence is currently insufficient to determine the role of this variant in disease. Therefore, it has been classified as a Variant of Uncertain Significance.

NM_001018115.3(FANCD2):c.1807A>C (p.Ser603Arg)

Genes: FANCD2 (FA complementation group D2; plus strand), LOC107303338 (3p25 FANCD2 Alu-mediated recombination region; plus strand). Cytogenetic location: 3p25.3.
Variant type: single nucleotide variant.
Coding change: c.1807A>C on transcript NM_001018115.3 (MANE Select); coding-DNA position 1807, A replaced by C.
Protein change: p.Ser603Arg; replaces serine 603 with arginine.
Molecular consequence: missense variant.
Genome position (GRCh38, 1-based): chr3:10,062,191, A>C. VCF-style: chr3-10062191-A-C. GRCh37 (hg19) VCF-style: chr3-10103875-A-C.
Other names: c.1807A>C, p.Ser603Arg (NM_001319984.2, NM_001374254.1, NM_033084.6); c.1696A>C, p.Ser566Arg (NM_001374253.1); short protein forms S603R, S566R.
Identifiers: ClinVar variation 2701223 (VCV002701223.3), dbSNP rs2469959894, ClinGen allele CA351728585.
Genomic context (GRCh38, chr3:10,062,191, plus strand): 5'-AAAAAATTCTTTGTTTTTAGAAGTGAATCACCTAGTTTGACCCAAGAGAGAGCCAACCTG[A>C]GCGATGAGCAGTGCACACAGGTGAGTTCTTTTTTTCCTTTCTTTCTTTTTCCTGTCTTTT-3'
Protein context (NP_001018125.1, residues 593-613): PSLTQERANL[Ser603Arg]DEQCTQVTSL